The following is an entry in ClinVar:

NM_004415.4(DSP):c.5602A>C (p.Lys1868Gln)

Gene: DSP (desmoplakin; plus strand). Cytogenetic location: 6p24.3.
Variant type: single nucleotide variant.
Coding change: c.5602A>C on transcript NM_004415.4 (MANE Select); coding-DNA position 5602, A replaced by C.
Protein change: p.Lys1868Gln; replaces lysine 1868 with glutamine.
Molecular consequence: missense variant.
Genome position (GRCh38, 1-based): chr6:7,582,864, A>C. VCF-style: chr6-7582864-A-C. GRCh37 (hg19) VCF-style: chr6-7583097-A-C.
Other names: c.3805A>C, p.Lys1269Gln (NM_001008844.3); c.4273A>C, p.Lys1425Gln (NM_001319034.2); short protein forms K1269Q, K1425Q, K1868Q.
Identifiers: ClinVar variation 3748855 (VCV003748855.2).
Genomic context (GRCh38, chr6:7,582,864, plus strand): 5'-AGGGTGAAACAGCGCCTGGAGTGTGAGAAACAGCAAATTCAGAATGACCTGAATCAGTGG[A>C]AGACTCAATATTCCCGCAAGGAGGAGGCTATTAGGAAGATAGAATCGGAAAGAGAAAAGA-3'
Protein context (NP_004406.2, residues 1858-1878): QQIQNDLNQW[Lys1868Gln]TQYSRKEEAI

ClinVar aggregate classification (germline): Uncertain significance (1 of 4 stars; one submission).

Conditions:
Arrhythmogenic cardiomyopathy with wooly hair and keratoderma. Also called: PALMOPLANTAR KERATODERMA WITH LEFT VENTRICULAR CARDIOMYOPATHY AND WOOLLY HAIR; Dilated cardiomyopathy with woolly hair and keratoderma; Carvajal syndrome; Arrhythmogenic cardiomyopathy with woolly hair and keratoderma. Identifiers: Orphanet 65282, MedGen C1854063, MONDO:0011581, OMIM 605676.
Arrhythmogenic right ventricular dysplasia 8 (ARVD8). Also called: Arrhythmogenic Right Ventricular Dysplasia/Cardiomyopathy 8; ARRHYTHMOGENIC RIGHT VENTRICULAR DYSPLASIA, FAMILIAL, 8; ARRHYTHMOGENIC RIGHT VENTRICULAR CARDIOMYOPATHY 8. Identifiers: MedGen C1843896, MONDO:0011831, OMIM 607450.

Submission:

Labcorp Genetics (formerly Invitae), Labcorp
Classification: Uncertain significance for Arrhythmogenic cardiomyopathy with wooly hair and keratoderma; Arrhythmogenic right ventricular dysplasia 8. Last evaluated: 2024-10-30. Review status: criteria provided, single submitter. Criteria: Invitae Variant Classification Sherloc (09022015). Collection method: clinical testing. Allele origin: germline.
Comment: This sequence change replaces lysine, which is basic and polar, with glutamine, which is neutral and polar, at codon 1868 of the DSP protein (p.Lys1868Gln). This variant is not present in population databases (gnomAD no frequency). This variant has not been reported in the literature in individuals affected with DSP-related conditions. An algorithm developed to predict the effect of missense changes on protein structure and function (PolyPhen-2) suggests that this variant is likely to be disruptive. In summary, the available evidence is currently insufficient to determine the role of this variant in disease. Therefore, it has been classified as a Variant of Uncertain Significance.